The following is an entry in ClinVar:

NM_001123385.2(BCOR):c.768C>T (p.His256=)

Genes: BCOR (BCL6 corepressor; minus strand), LOC126863239 (MED14-independent group 3 enhancer GRCh37_chrX:39932994-39934193; plus strand). Cytogenetic location: Xp11.4.
Variant type: single nucleotide variant.
Coding change: c.768C>T on transcript NM_001123385.2 (MANE Select); coding-DNA position 768, C replaced by T.
Protein change: p.His256=; no amino-acid change (histidine 256 retained).
Molecular consequence: synonymous variant.
Genome position (GRCh38, 1-based): chrX:40,074,578, G>A on the plus strand (C>T on the coding strand, the complement: BCOR is on the minus strand). VCF-style: chrX-40074578-G-A. GRCh37 (hg19) VCF-style: chrX-39933831-G-A.
Other names: c.768C>T, p.His256= (NM_001123383.2, NM_001123384.2, NM_001437510.1 and 4 more transcripts).
Identifiers: ClinVar variation 4994157 (VCV004994157.1).

ClinVar aggregate classification (germline): Likely benign (1 of 4 stars; one submission).

Conditions:
BCOR-related disorder. Also called: BCOR-related disorders; BCOR-related condition.

gnomAD v4.1: 2 of 1,212,100 alleles (0.00017%); highest among the groups gnomAD compares: Non-Finnish European, 0.00022%; no homozygotes.

Submission:

PreventionGenetics, part of Exact Sciences
Classification: Likely benign for BCOR-related condition. Last evaluated: 2026-01-02. Review status: criteria provided, single submitter. Criteria: ACMG Guidelines, 2015. Collection method: clinical testing. Allele origin: germline.
Comment: This variant is classified as likely benign based on ACMG/AMP sequence variant interpretation guidelines (Richards et al. 2015 PMID: 25741868, with internal and published modifications).